The following is an entry in ClinVar:

NM_138393.4(REEP6):c.382C>G (p.Pro128Ala)

Gene: REEP6 (receptor accessory protein 6; plus strand). Cytogenetic location: 19p13.3.
Variant type: single nucleotide variant.
Coding change: c.382C>G on transcript NM_138393.4 (MANE Select); coding-DNA position 382, C replaced by G.
Protein change: p.Pro128Ala; replaces proline 128 with alanine.
Molecular consequence: missense variant.
Genome position (GRCh38, 1-based): chr19:1,496,318, C>G. VCF-style: chr19-1496318-C-G. GRCh37 (hg19) VCF-style: chr19-1496317-C-G.
Other names: c.382C>G, p.Pro128Ala (NM_001329556.3); short protein forms P128A.
Identifiers: ClinVar variation 1018814 (VCV001018814.10), dbSNP rs768725740, ClinGen allele CA9047557.

ClinVar aggregate classification (germline): Uncertain significance (1 of 4 stars; one submission).

Allele frequency attached by ClinVar (database versions not stated): gnomAD exomes below 0.00001; ExAC 0.00001; gnomAD 0.00001; TOPMed 0.00002.
gnomAD v4.1: 2 of 1,611,644 alleles (0.00012%); highest among the groups gnomAD compares: African/African-American, 0.0027%; no homozygotes.

Submission:

Labcorp Genetics (formerly Invitae), Labcorp
Classification: Uncertain significance. Last evaluated: 2022-06-27. Review status: criteria provided, single submitter. Criteria: Invitae Variant Classification Sherloc (09022015). Collection method: clinical testing. Allele origin: germline.
Comment: In summary, the available evidence is currently insufficient to determine the role of this variant in disease. Therefore, it has been classified as a Variant of Uncertain Significance. Experimental studies and prediction algorithms are not available or were not evaluated, and the functional significance of this variant is currently unknown. ClinVar contains an entry for this variant (Variation ID: 1018814). This variant has not been reported in the literature in individuals affected with REEP6-related conditions. This variant is present in population databases (rs768725740, gnomAD 0.007%). This sequence change replaces proline, which is neutral and non-polar, with alanine, which is neutral and non-polar, at codon 128 of the REEP6 protein (p.Pro128Ala).